The following is an entry in ClinVar:

NM_052845.4(MMAB):c.*857G>C

Gene: MMAB (metabolism of cobalamin associated B; minus strand). Cytogenetic location: 12q24.11.
Variant type: single nucleotide variant.
Coding change: c.*857G>C on transcript NM_052845.4 (MANE Select); 857 bases downstream of the stop codon, G replaced by C.
Molecular consequence: 3 prime UTR variant. On other transcripts: non-coding transcript variant (1).
Genome position (GRCh38, 1-based): chr12:109,556,171, C>G on the plus strand (G>C on the coding strand, the complement: MMAB is on the minus strand). VCF-style: chr12-109556171-C-G. GRCh37 (hg19) VCF-style: chr12-109993976-C-G.
Identifiers: ClinVar variation 307047 (VCV000307047.6), dbSNP rs877710, ClinGen allele CA6778654.
Genomic context (GRCh38, chr12:109,556,171, plus strand): 5'-GTGTCGTTTCATAGCAGGAGGGAGCAGCAGTGACAACTGAAATAAATACAGCCGTGGCAC[C>G]GATCTCAGAGGCATAAGCCAGCCAAGTGCAACATCGGAGAAATCAGTCTGGTGGATGTCA-3'

ClinVar aggregate classification (germline): Benign. Review status: criteria provided, multiple submitters, no conflicts (2 of 4 stars). 2 submissions from 2 submitters: Benign (2). Last evaluated 2018-01-12.

Conditions:
Methylmalonic aciduria, cblB type (MACB). Also called: Vitamin B12-responsive methylmalonic acidemia type cblB; METHYLMALONIC ACIDURIA, VITAMIN B12-RESPONSIVE, DUE TO DEFECT IN SYNTHESIS OF ADENOSYLCOBALAMIN, cblB TYPE; Methylmalonic acidemia cblB type. Identifiers: Orphanet 28, Orphanet 79311, MedGen C1855102, MONDO:0009614, OMIM 251110.

Allele frequency attached by ClinVar (database versions not stated): ExAC 0.46661; gnomAD 0.57567; 1000 Genomes Project 0.51338; 1000 Genomes Project 30x 0.52139; TOPMed 0.58081.
gnomAD v4.1: 238,291 of 453,090 alleles (53%); highest among the groups gnomAD compares: African/African-American, 73%; 65,031 homozygotes.

Submissions (2):

Illumina Laboratory Services, Illumina
Classification: Benign for Methylmalonic aciduria, cblB type. Last evaluated: 2018-01-12. Review status: criteria provided, single submitter. Criteria: ICSL Variant Classification Criteria 13 December 2019. Collection method: clinical testing. Allele origin: germline.
Comment: This variant was observed in the ICSL laboratory as part of a predisposition screen in an ostensibly healthy population. It had not been previously curated by ICSL or reported in the Human Gene Mutation Database (HGMD: prior to June 1st, 2018), and was therefore a candidate for classification through an automated scoring system. Utilizing variant allele frequency, disease prevalence and penetrance estimates, and inheritance mode, an automated score was calculated to assess if this variant is too frequent to cause the disease. Based on the score and internal cut-off values, a variant classified as benign is not then subjected to further curation. The score for this variant resulted in a classification of benign for this disease.

Breakthrough Genomics
Classification: Benign. Review status: criteria provided, single submitter. Criteria: ACMG Guidelines, 2015. Collection method: not provided. Allele origin: germline. Inheritance: Autosomal recessive inheritance. Affected: yes.